The following is an entry in ClinVar:

NM_002907.4(RECQL):c.1685C>G (p.Thr562Arg)

Genes: PYROXD1 (pyridine nucleotide-disulphide oxidoreductase domain 1; plus strand), RECQL (RecQ like helicase; minus strand). Cytogenetic location: 12p12.1.
Variant type: single nucleotide variant.
Coding change: c.1685C>G on transcript NM_002907.4 (MANE Select); coding-DNA position 1685, C replaced by G.
Protein change: p.Thr562Arg; replaces threonine 562 with arginine.
Molecular consequence: missense variant. On other transcripts: 3 prime UTR variant (3).
Genome position (GRCh38, 1-based): chr12:21,471,081, G>C on the plus strand (C>G on the coding strand, the complement: RECQL is on the minus strand). VCF-style: chr12-21471081-G-C. GRCh37 (hg19) VCF-style: chr12-21624015-G-C.
Other names: c.1685C>G, p.Thr562Arg (NM_032941.3); c.*2327G>C (NM_001350912.2, NM_001350913.2, NM_024854.5); short protein forms T562R.
Identifiers: ClinVar variation 3944212 (VCV003944212.1).

ClinVar aggregate classification (germline): Uncertain significance (1 of 4 stars; one submission).

gnomAD v4.1: 1 of 1,590,154 alleles (0.000063%); highest among the groups gnomAD compares: South Asian, 0.0012%; no homozygotes.

Submission:

Ambry Genetics
Classification: Uncertain significance. Last evaluated: 2025-05-01. Review status: criteria provided, single submitter. Criteria: Ambry Variant Classification Scheme 2023. Collection method: clinical testing. Allele origin: germline.
Comment: The p.T562R variant (also known as c.1685C>G), located in coding exon 13 of the RECQL gene, results from a C to G substitution at nucleotide position 1685. The threonine at codon 562 is replaced by arginine, an amino acid with similar properties. This amino acid position is conserved. In addition, this alteration is predicted to be deleterious by in silico analysis. Based on the available evidence, the clinical significance of this variant remains unclear.